The following is an entry in ClinVar:

ClinVar aggregate classification (germline): Likely benign (1 of 4 stars; one submission).

Conditions:
UTP4-related disorder. Also called: UTP4-related condition.

Submission:

PreventionGenetics, part of Exact Sciences
Classification: Likely benign for UTP4-related condition. Last evaluated: 2026-05-30. Review status: criteria provided, single submitter. Criteria: ACMG Guidelines, 2015. Collection method: clinical testing. Allele origin: germline.
Comment: This variant is classified as likely benign based on ACMG/AMP sequence variant interpretation guidelines (Richards et al. 2015 PMID: 25741868, with internal and published modifications).

NM_032830.3(UTP4):c.1710G>A (p.Gln570=)

Gene: UTP4 (UTP4 small subunit processome component). Cytogenetic location: 16q22.1.
Variant type: single nucleotide variant.
Coding change: c.1710G>A on transcript NM_032830.3 (MANE Select); coding-DNA position 1710, G replaced by A.
Protein change: p.Gln570=; no amino-acid change (glutamine 570 retained).
Molecular consequence: synonymous variant.
Genome position (GRCh38, 1-based): chr16:69,165,403, G>A. VCF-style: chr16-69165403-G-A. GRCh37 (hg19) VCF-style: chr16-69199306-G-A.
Other names: c.1461G>A, p.Gln487= (NM_001318391.2).
Identifiers: ClinVar variation 4999437 (VCV004999437.1).